The following is an entry in ClinVar:

ClinVar aggregate classification (germline): Uncertain significance (1 of 4 stars; one submission).

Submission:

GeneDx
Classification: Uncertain significance. Last evaluated: 2022-10-18. Review status: criteria provided, single submitter. Criteria: GeneDx Variant Classification Process June 2021. Collection method: clinical testing. Allele origin: germline. Affected: yes.
Comment: Not observed at significant frequency in large population cohorts (gnomAD); In silico analysis supports that this missense variant has a deleterious effect on protein structure/function; Has not been previously published as pathogenic or benign to our knowledge

NM_021956.5(GRIK2):c.449A>T (p.Tyr150Phe)

Gene: GRIK2 (glutamate ionotropic receptor kainate type subunit 2; plus strand). Cytogenetic location: 6q16.3.
Variant type: single nucleotide variant.
Coding change: c.449A>T on transcript NM_021956.5 (MANE Select); coding-DNA position 449, A replaced by T.
Protein change: p.Tyr150Phe; replaces tyrosine 150 with phenylalanine.
Molecular consequence: missense variant.
Genome position (GRCh38, 1-based): chr6:101,626,545, A>T. VCF-style: chr6-101626545-A-T. GRCh37 (hg19) VCF-style: chr6-102074420-A-T.
Other names: c.449A>T, p.Tyr150Phe (NM_001166247.1, NM_175768.3); short protein forms Y150F.
Identifiers: ClinVar variation 2499889 (VCV002499889.1), dbSNP rs2483042103, ClinGen allele CA365307786.